The following is an entry in ClinVar:

ClinVar aggregate classification (germline): Likely benign. Review status: criteria provided, multiple submitters, no conflicts (2 of 4 stars). 2 submissions from 2 submitters: Likely benign (2). Last evaluated 2026-01-24.

Allele frequency attached by ClinVar (database versions not stated): gnomAD 0.00004; ExAC 0.00003; TOPMed 0.00003.
gnomAD v4.1: 54 of 1,611,604 alleles (0.0034%); highest among the groups gnomAD compares: East Asian, 0.0045%; no homozygotes.

Submissions (2):

Labcorp Genetics (formerly Invitae), Labcorp
Classification: Likely benign. Last evaluated: 2026-01-24. Review status: criteria provided, single submitter. Criteria: Invitae Variant Classification Sherloc (09022015). Collection method: clinical testing. Allele origin: germline.

Athena Diagnostics
Classification: Likely benign. Last evaluated: 2025-03-10. Review status: criteria provided, single submitter. Criteria: Athena Diagnostics Criteria. Collection method: clinical testing. Allele origin: unknown.
Comment: Computational tools yielded predictions that this variant is unlikely to have an effect on normal RNA splicing. This nucleotide position exhibits low evolutionary conservation.

NM_001080414.4(CCDC88C):c.2247G>A (p.Ala749=)

Gene: CCDC88C (coiled-coil and HOOK domain protein 88C; minus strand). Cytogenetic location: 14q32.11.
Variant type: single nucleotide variant.
Coding change: c.2247G>A on transcript NM_001080414.4 (MANE Select); coding-DNA position 2247, G replaced by A.
Protein change: p.Ala749=; no amino-acid change (alanine 749 retained).
Molecular consequence: synonymous variant.
Genome position (GRCh38, 1-based): chr14:91,313,569, C>T on the plus strand (G>A on the coding strand, the complement: CCDC88C is on the minus strand). VCF-style: chr14-91313569-C-T. GRCh37 (hg19) VCF-style: chr14-91779913-C-T.
Other names: c.2247G>A (NM_001080414.2).
Identifiers: ClinVar variation 2970658 (VCV002970658.4), dbSNP rs750426113, ClinGen allele CA7309707.
Genomic context (GRCh38, chr14:91,313,569, plus strand): 5'-GAGGTTCTCAGCGCTCACGCTCTGGTAGCTGAGCTCCAGGCGCTCTGACTTCTTGCCCAG[C>T]GCCTTGAGCAGATCCACGTTCTTCCTCAGCTCCTCCTTCTCACGCTCCAGCTGCTGGTTC-3'
Protein context (NP_001073883.2, residues 739-759): ELRKNVDLLK[Ala749=]LGKKSERLEL